The following is an entry in ClinVar:

ClinVar aggregate classification (germline): Uncertain significance (1 of 4 stars; one submission).

Conditions:
SCAPER-related disorder. Also called: SCAPER-related condition.

gnomAD v4.1: 1 of 1,610,984 alleles (0.000062%); highest among the groups gnomAD compares: Non-Finnish European, 0.000085%; no homozygotes.

Submission:

PreventionGenetics, part of Exact Sciences
Classification: Uncertain significance for SCAPER-related condition. Last evaluated: 2025-03-27. Review status: criteria provided, single submitter. Criteria: ACMG Guidelines, 2015. Collection method: clinical testing. Allele origin: germline.
Comment: The SCAPER c.2807C>T variant is predicted to result in the amino acid substitution p.Ser936Phe. To our knowledge, this variant has not been reported in the literature. This variant is reported in 0.00090% of alleles in individuals of European (Non-Finnish) descent in gnomAD. At this time, the clinical significance of this variant is uncertain due to the absence of conclusive functional and genetic evidence.

NM_020843.4(SCAPER):c.2789C>T (p.Ser930Phe)

Gene: SCAPER (S-phase cyclin A associated protein in the ER; minus strand). Cytogenetic location: 15q24.3.
Variant type: single nucleotide variant.
Coding change: c.2789C>T on transcript NM_020843.4 (MANE Select); coding-DNA position 2789, C replaced by T.
Protein change: p.Ser930Phe; replaces serine 930 with phenylalanine.
Molecular consequence: missense variant. On other transcripts: non-coding transcript variant (1).
Genome position (GRCh38, 1-based): chr15:76,574,207, G>A on the plus strand (C>T on the coding strand, the complement: SCAPER is on the minus strand). VCF-style: chr15-76574207-G-A. GRCh37 (hg19) VCF-style: chr15-76866548-G-A.
Other names: c.2051C>T, p.Ser684Phe (NM_001145923.2); c.2807C>T, p.Ser936Phe (NM_001353009.2); c.2387C>T, p.Ser796Phe (NM_001353010.2, NM_001353012.2); c.2405C>T, p.Ser802Phe (NM_001353011.2); short protein forms S936F, S684F, S796F, S802F, S930F.
Identifiers: ClinVar variation 5002020 (VCV005002020.1).